The following is an entry in ClinVar:

NM_002439.5(MSH3):c.3087C>A (p.His1029Gln)

Gene: MSH3 (mutS homolog 3; plus strand). Cytogenetic location: 5q14.1.
Variant type: single nucleotide variant.
Coding change: c.3087C>A on transcript NM_002439.5 (MANE Select); coding-DNA position 3087, C replaced by A.
Protein change: p.His1029Gln; replaces histidine 1029 with glutamine.
Molecular consequence: missense variant.
Genome position (GRCh38, 1-based): chr5:80,864,899, C>A. VCF-style: chr5-80864899-C-A. GRCh37 (hg19) VCF-style: chr5-80160718-C-A.
Other names: short protein forms H1029Q.
Identifiers: ClinVar variation 3398779 (VCV003398779.1).

ClinVar aggregate classification (germline): Uncertain significance (1 of 4 stars; one submission).

Conditions:
Hereditary cancer-predisposing syndrome. Also called: Hereditary Cancer Syndrome; Tumor predisposition; Hereditary neoplastic syndrome; Neoplastic Syndromes, Hereditary. Identifiers: Orphanet 140162, MedGen C0027672, MeSH D009386, MONDO:0015356.

gnomAD v4.1: 1 of 1,613,812 alleles (0.000062%); highest among the groups gnomAD compares: Non-Finnish European, 0.000085%; no homozygotes.

Submission:

Ambry Genetics
Classification: Uncertain significance for Hereditary cancer-predisposing syndrome. Last evaluated: 2024-11-25. Review status: criteria provided, single submitter. Criteria: Ambry Variant Classification Scheme 2023. Collection method: clinical testing. Allele origin: germline.
Comment: The p.H1029Q variant (also known as c.3087C>A), located in coding exon 22 of the MSH3 gene, results from a C to A substitution at nucleotide position 3087. The histidine at codon 1029 is replaced by glutamine, an amino acid with highly similar properties. This amino acid position is conserved. In addition, this alteration is predicted to be deleterious by in silico analysis. Based on the available evidence, the clinical significance of this variant remains unclear.